The following is an entry in ClinVar:

ClinVar aggregate classification (germline): Pathogenic (1 of 4 stars; one submission).

Conditions:
Kennedy disease (SMAX1). Also called: SPINAL AND BULBAR MUSCULAR ATROPHY, X-LINKED 1; KENNEDY SPINAL AND BULBAR MUSCULAR ATROPHY; Spinal and Bulbar Muscular Atrophy. Identifiers: Orphanet 481, MedGen C1839259, MONDO:0010735, OMIM 313200.
Androgen resistance syndrome (AIS). Also called: ANDROGEN RECEPTOR DEFICIENCY; DIHYDROTESTOSTERONE RECEPTOR DEFICIENCY; TESTICULAR FEMINIZATION SYNDROME; Androgen insensitivity syndrome; Androgen insensitivity; DHTR DEFICIENCY. Identifiers: Orphanet 754, Orphanet 99429, MedGen C0039585, MONDO:0019154, OMIM 300068. Disease mechanism: loss of function.

Submission:

Labcorp Genetics (formerly Invitae), Labcorp
Classification: Pathogenic for Kennedy disease; Androgen resistance syndrome. Last evaluated: 2024-12-04. Review status: criteria provided, single submitter. Criteria: Invitae Variant Classification Sherloc (09022015). Collection method: clinical testing. Allele origin: germline.
Comment: This sequence change creates a premature translational stop signal (p.Glu81Alafs*95) in the AR gene. It is expected to result in an absent or disrupted protein product. Loss-of-function variants in AR are known to be pathogenic (PMID: 19463997). This variant is not present in population databases (gnomAD no frequency). This variant has not been reported in the literature in individuals affected with AR-related conditions. For these reasons, this variant has been classified as Pathogenic.

Literature cited by the submitters: PubMed 19463997.

NM_000044.6(AR):c.241_242insCA (p.Glu81fs)

Genes: AR (androgen receptor; plus strand), LOC109504725 (androgen receptor repeat instability region; plus strand). Cytogenetic location: Xq12.
Variant type: Insertion.
Coding change: c.241_242insCA on transcript NM_000044.6 (MANE Select); coding-DNA positions 241 to 242, CA inserted.
Protein change: p.Glu81fs; shifts the reading frame from glutamic acid 81.
Molecular consequence: frameshift variant. On other transcripts: 5 prime UTR variant (1).
Genome position: GRCh38 VCF-style: chrX-67545387-G-GCA. GRCh37 (hg19) VCF-style: chrX-66765229-G-GCA.
Other names: c.-1543_-1542insCA (NM_001011645.3); c.241_242insCA, p.Glu81fs (NM_001348061.1, NM_001348063.1, NM_001348064.1); short protein forms E81fs.
Identifiers: ClinVar variation 3759969 (VCV003759969.2).